The following is an entry in ClinVar:

ClinVar aggregate classification (germline): Likely pathogenic. Review status: criteria provided, multiple submitters, no conflicts (2 of 4 stars). 3 submissions from 3 submitters: Likely pathogenic (3). Last evaluated 2024-09-24.

Conditions:
Severe myoclonic epilepsy in infancy (DRVT). Also called: Epileptic encephalopathy, early infantile, 6 (Dravet syndrome); Dravet syndrome; SEVERE MYOCLONIC EPILEPSY OF INFANCY; DEVELOPMENTAL AND EPILEPTIC ENCEPHALOPATHY 6A; Severe Myoclonic Epilepsy in Infancy (SMEI). Identifiers: Orphanet 33069, MedGen C0751122, MONDO:0100135, OMIM 607208.
Generalized epilepsy with febrile seizures plus, type 2 (GEFSP2). Also called: GEFS+, TYPE 2. Identifiers: Orphanet 36387, MedGen C1858673, MONDO:0011461, OMIM 604403.
Autosomal dominant epilepsy.

Allele frequency attached by ClinVar (database versions not stated): gnomAD exomes below 0.00001 and 0.00001; ExAC 0.00001.
gnomAD v4.1: 3 of 1,613,410 alleles (0.00019%); highest among the groups gnomAD compares: Non-Finnish European, 0.00025%; no homozygotes.

Submissions (3):

GeneDx
Classification: Likely pathogenic. Last evaluated: 2024-09-24. Review status: criteria provided, single submitter. Criteria: GeneDx Variant Classification Process June 2021. Collection method: clinical testing. Allele origin: germline. Affected: yes.
Comment: Canonical splice site variant predicted to result in an in-frame loss of the adjacent exon in a gene for which loss of function is a known mechanism of disease; Deletions involving coding exons of this gene are a known mechanism of disease (HGMD; other references); Not observed at significant frequency in large population cohorts (gnomAD); Has not been previously published as pathogenic or benign to our knowledge

Women's Health and Genetics/Laboratory Corporation of America, LabCorp
Classification: Likely pathogenic. Last evaluated: 2024-01-26. Review status: criteria provided, single submitter. Criteria: LabCorp Variant Classification Summary - May 2015. Collection method: clinical testing. Allele origin: germline.
Comment: Variant summary: SCN1A c.2043+1G>A is located in a canonical splice-site and is predicted to affect mRNA splicing resulting in a significantly altered protein due to either exon skipping, shortening, or inclusion of intronic material. Several computational tools predict a significant impact on normal splicing: Four predict the variant abolishes the 5' canonical splicing donor site. However, these predictions have yet to be confirmed by functional studies. The variant allele was found at a frequency of 4e-06 in 250086 control chromosomes. To our knowledge, no occurrence of c.2043+1G>A in individuals affected with SCN1A-Related Seizure Disorder and no experimental evidence demonstrating its impact on protein function have been reported. ClinVar contains an entry for this variant (Variation ID: 423526). Based on the evidence outlined above, the variant was classified as likely pathogenic.

Laboratorio de Genetica e Diagnostico Molecular, Hospital Israelita Albert Einstein
Classification: Likely pathogenic for Generalized epilepsy with febrile seizures plus, type 2; Severe myoclonic epilepsy in infancy. Last evaluated: 2021-10-20. Review status: criteria provided, single submitter. Criteria: ACMG Guidelines, 2015. Collection method: clinical testing. Allele origin: germline. Affected: yes.
Comment: ACMG classification criteria: PVS1 strong, PS4 supporting, PM2 moderate

NM_001165963.4(SCN1A):c.2043+1G>A

Gene: SCN1A (sodium voltage-gated channel alpha subunit 1; minus strand). Cytogenetic location: 2q24.3.
Variant type: single nucleotide variant.
Coding change: c.2043+1G>A on transcript NM_001165963.4 (MANE Select); the canonical splice donor site of the intron after coding-DNA position 2043, G replaced by A.
Molecular consequence: splice donor variant. On other transcripts: intron variant (12).
Genome position (GRCh38, 1-based): chr2:166,043,668, C>T on the plus strand (G>A on the coding strand, the complement: SCN1A is on the minus strand). VCF-style: chr2-166043668-C-T. GRCh37 (hg19) VCF-style: chr2-166900178-C-T.
Other names: c.2010+34G>A (NM_001353949.2, NM_001353950.2, NM_001353951.2 and 2 more transcripts); c.1959+85G>A (NM_001353958.2, NM_001353957.2, NM_001165964.3); c.2043+1G>A (NM_001202435.3, NM_001353948.2); c.2007+34G>A (NM_001353955.2, NM_001353954.2); c.1956+85G>A (NM_001353960.2); c.-416+34G>A (NM_001353961.2).
Identifiers: ClinVar variation 423526 (VCV000423526.8), dbSNP rs751533302, ClinGen allele CA1943216.